The following is an entry in ClinVar:

ClinVar aggregate classification (germline): Benign/Likely benign. Review status: criteria provided, multiple submitters, no conflicts (2 of 4 stars). 3 submissions from 3 submitters: Benign (1); Likely benign (1). 1 of the submissions does not count toward it. Last evaluated 2025-09-09.

Conditions:
NOTCH1-related disorder. Also called: NOTCH1-related condition; NOTCH1-related disorders.
Familial thoracic aortic aneurysm and aortic dissection (TAAD). Also called: Thoracic aortic aneurysms and dissections. Identifiers: Orphanet 91387, MedGen C4707243, MONDO:0019625.
Adams-Oliver syndrome 5 (AOS5). Identifiers: Orphanet 974, MedGen C4014970, MONDO:0014459, OMIM 616028.

Allele frequency attached by ClinVar (database versions not stated): gnomAD exomes below 0.00001; gnomAD 0.00001; TOPMed 0.00001; ExAC 0.00002.
gnomAD v4.1: 5 of 1,609,136 alleles (0.00031%); highest among the groups gnomAD compares: South Asian, 0.0022%; no homozygotes.

Submissions (3):

Labcorp Genetics (formerly Invitae), Labcorp
Classification: Benign for Adams-Oliver syndrome 5. Last evaluated: 2025-09-09. Review status: criteria provided, single submitter. Criteria: Invitae Variant Classification Sherloc (09022015). Collection method: clinical testing. Allele origin: germline.

Ambry Genetics
Classification: Likely benign for Familial thoracic aortic aneurysm and aortic dissection. Last evaluated: 2025-05-24. Review status: criteria provided, single submitter. Criteria: Ambry Variant Classification Scheme 2023. Collection method: clinical testing. Allele origin: germline.

PreventionGenetics, part of Exact Sciences
Classification: Likely benign for NOTCH1-related condition. Last evaluated: 2020-10-15. Review status: no assertion criteria provided. Collection method: clinical testing. Allele origin: germline. Not counted in ClinVar's aggregate classification.
Comment: This variant is classified as likely benign based on ACMG/AMP sequence variant interpretation guidelines (Richards et al. 2015 PMID: 25741868, with internal and published modifications).

NM_017617.5(NOTCH1):c.231G>A (p.Val77=)

Gene: NOTCH1 (notch receptor 1; minus strand). Cytogenetic location: 9q34.3.
Variant type: single nucleotide variant.
Coding change: c.231G>A on transcript NM_017617.5 (MANE Select); coding-DNA position 231, G replaced by A.
Protein change: p.Val77=; no amino-acid change (valine 77 retained).
Molecular consequence: synonymous variant.
Genome position (GRCh38, 1-based): chr9:136,523,889, C>T on the plus strand (G>A on the coding strand, the complement: NOTCH1 is on the minus strand). VCF-style: chr9-136523889-C-T. GRCh37 (hg19) VCF-style: chr9-139418341-C-T.
Other names: c.231G>A (NM_017617.3).
Identifiers: ClinVar variation 3032191 (VCV003032191.4), dbSNP rs774288166, ClinGen allele CA5342221.